The following is an entry in ClinVar:

ClinVar aggregate classification (germline): Uncertain significance. Review status: criteria provided, multiple submitters, no conflicts (2 of 4 stars). 4 submissions from 4 submitters: Uncertain significance (3). 1 of the submissions does not count toward it. Last evaluated 2024-03-16.

Conditions:
Usher syndrome type 1B (USH1B). Also called: Usher syndrome type IB. Identifiers: MedGen C1848638, MONDO:0700087.

Allele frequency attached by ClinVar (database versions not stated): gnomAD exomes 0.00001; TOPMed 0.00001; ExAC 0.00002.
gnomAD v4.1: 4 of 1,613,628 alleles (0.00025%); highest among the groups gnomAD compares: Non-Finnish European, 0.00034%; no homozygotes.

Submissions (4):

Labcorp Genetics (formerly Invitae), Labcorp
Classification: Uncertain significance. Last evaluated: 2024-03-16. Review status: criteria provided, single submitter. Criteria: Invitae Variant Classification Sherloc (09022015). Collection method: clinical testing. Allele origin: germline.
Comment: This sequence change replaces isoleucine, which is neutral and non-polar, with methionine, which is neutral and non-polar, at codon 539 of the MYO7A protein (p.Ile539Met). This variant is present in population databases (rs782450807, gnomAD 0.006%). This variant has not been reported in the literature in individuals affected with MYO7A-related conditions. ClinVar contains an entry for this variant (Variation ID: 517298). Advanced modeling of protein sequence and biophysical properties (such as structural, functional, and spatial information, amino acid conservation, physicochemical variation, residue mobility, and thermodynamic stability) performed at Invitae indicates that this missense variant is not expected to disrupt MYO7A protein function with a negative predictive value of 95%. In summary, the available evidence is currently insufficient to determine the role of this variant in disease. Therefore, it has been classified as a Variant of Uncertain Significance.

Blueprint Genetics
Classification: Uncertain significance. Last evaluated: 2019-05-27. Review status: criteria provided, single submitter. Criteria: ACMG Guidelines, 2015. Collection method: clinical testing. Allele origin: germline.

Laboratory for Molecular Medicine, Mass General Brigham Personalized Medicine
Classification: Uncertain significance. Last evaluated: 2017-03-20. Review status: criteria provided, single submitter. Criteria: LMM Criteria. Collection method: clinical testing. Allele origin: germline. Observed: 1 variant allele.
Comment: p.Ile539Met, c.1617C>G (MYO7A; NM_000260.3; Chr11g.76873961C>G; GRCh37): The p.I le539Met variant in MYO7A has not been previously reported in individuals with h earing loss, but was identified in 1/8618 East Asian chromosomes by the Exome Ag gregation Consortium (ExAC; dbSNP rs782450807). Although this variant has been seen in the general population, its frequency is not high enough to rule out a pathogenic role. Computational prediction tools an d conservation analysis do not provide strong support for or against an impact t o the protein. In summary, the clinical significance of the p.Ile539Met variant is uncertain.

Natera, Inc.
Classification: Uncertain significance for Usher syndrome type 1B. Last evaluated: 2019-11-11. Review status: no assertion criteria provided. Collection method: clinical testing. Allele origin: germline. Not counted in ClinVar's aggregate classification.

NM_000260.4(MYO7A):c.1617C>G (p.Ile539Met)

Gene: MYO7A (myosin VIIA; plus strand). Cytogenetic location: 11q13.5.
Variant type: single nucleotide variant.
Coding change: c.1617C>G on transcript NM_000260.4 (MANE Select); coding-DNA position 1617, C replaced by G.
Protein change: p.Ile539Met; replaces isoleucine 539 with methionine.
Molecular consequence: missense variant.
Genome position (GRCh38, 1-based): chr11:77,162,915, C>G. VCF-style: chr11-77162915-C-G. GRCh37 (hg19) VCF-style: chr11-76873961-C-G.
Other names: c.1617C>G, p.Ile539Met (NM_001127180.2); c.1584C>G, p.Ile528Met (NM_001369365.1); short protein forms I539M, I528M.
Identifiers: ClinVar variation 517298 (VCV000517298.8), dbSNP rs782450807, ClinGen allele CA6197532.
Genomic context (GRCh38, chr11:77,162,915, plus strand): 5'-CACAGACACCACCATGTTACACAAGCTGAACTCCCAGCACAAGCTCAACGCCAACTACAT[C>G]CCCCCCAAGAACAACCATGAGACCCAGTTTGGCATCAACCATTTTGCAGGCATCGTCTAC-3'
Protein context (NP_000251.3, residues 529-549): NSQHKLNANY[Ile539Met]PPKNNHETQF